The following is an entry in ClinVar:

ClinVar aggregate classification (germline): Uncertain significance (1 of 4 stars; one submission).

Conditions:
Familial hypobetalipoproteinemia 1. Also called: APOB-Related Familial Hypobetalipoproteinemia; Hypobetalipoproteinemia, normotriglyceridemic; Acanthocytosis with hypobetalipoproteinemia. Identifiers: MedGen C4551990, MONDO:0014252, OMIM 615558.
Hypercholesterolemia, autosomal dominant, type B (FHCL2). Also called: Familial Hypercholesterolemia Type B; APOLIPOPROTEIN B-100, FAMILIAL DEFECTIVE; APOLIPOPROTEIN B-100, FAMILIAL LIGAND-DEFECTIVE; HYPERCHOLESTEROLEMIA, FAMILIAL, DUE TO LIGAND-DEFECTIVE APOLIPOPROTEIN B; Hyperlipoproteinemia Type IIb; Familial hypercholesterolemia 2. Identifiers: MedGen C1704417, MONDO:0007751, OMIM 144010.

Submission:

Labcorp Genetics (formerly Invitae), Labcorp
Classification: Uncertain significance for Familial hypobetalipoproteinemia 1; Hypercholesterolemia, autosomal dominant, type B. Last evaluated: 2023-06-29. Review status: criteria provided, single submitter. Criteria: Invitae Variant Classification Sherloc (09022015). Collection method: clinical testing. Allele origin: germline.
Comment: In summary, the available evidence is currently insufficient to determine the role of this variant in disease. Therefore, it has been classified as a Variant of Uncertain Significance. Advanced modeling of protein sequence and biophysical properties (such as structural, functional, and spatial information, amino acid conservation, physicochemical variation, residue mobility, and thermodynamic stability) performed at Invitae indicates that this missense variant is not expected to disrupt APOB protein function. This variant has not been reported in the literature in individuals affected with APOB-related conditions. This variant is not present in population databases (gnomAD no frequency). This sequence change replaces lysine, which is basic and polar, with threonine, which is neutral and polar, at codon 3656 of the APOB protein (p.Lys3656Thr).

NM_000384.3(APOB):c.10967A>C (p.Lys3656Thr)

Gene: APOB (apolipoprotein B; minus strand). Cytogenetic location: 2p24.1.
Variant type: single nucleotide variant.
Coding change: c.10967A>C on transcript NM_000384.3 (MANE Select); coding-DNA position 10967, A replaced by C.
Protein change: p.Lys3656Thr; replaces lysine 3656 with threonine.
Molecular consequence: missense variant.
Genome position (GRCh38, 1-based): chr2:21,005,901, T>G on the plus strand (A>C on the coding strand, the complement: APOB is on the minus strand). VCF-style: chr2-21005901-T-G. GRCh37 (hg19) VCF-style: chr2-21228773-T-G.
Other names: short protein forms K3656T.
Identifiers: ClinVar variation 2939581 (VCV002939581.3), dbSNP rs2465358127, ClinGen allele CA345984204.
Genomic context (GRCh38, chr2:21,005,901, plus strand): 5'-ATGATATTTTTGAGGAACCTTAGGTGTCCTTCTAAGGATCCTGCAATGTCAAGGTGTGCC[T>G]TTTCTTGGTCATTGGAAAGCTCGACCTGGCTCTGGAAAGACCCAGAATGAATCCGGACTT-3'
Protein context (NP_000375.3, residues 3646-3666): SQVELSNDQE[Lys3656Thr]AHLDIAGSLE